The following is an entry in ClinVar:

NM_021971.4(GMPPB):c.1016A>G (p.Asn339Ser)

Gene: GMPPB (GDP-mannose pyrophosphorylase B; minus strand). Cytogenetic location: 3p21.31.
Variant type: single nucleotide variant.
Coding change: c.1016A>G on transcript NM_021971.4 (MANE Select); coding-DNA position 1016, A replaced by G.
Protein change: p.Asn339Ser; replaces asparagine 339 with serine.
Molecular consequence: missense variant.
Genome position (GRCh38, 1-based): chr3:49,721,819, T>C on the plus strand (A>G on the coding strand, the complement: GMPPB is on the minus strand). VCF-style: chr3-49721819-T-C. GRCh37 (hg19) VCF-style: chr3-49759252-T-C.
Other names: c.1097A>G, p.Asn366Ser (NM_013334.4); short protein forms N339S, N366S.
Identifiers: ClinVar variation 835826 (VCV000835826.7), dbSNP rs753014812, ClinGen allele CA2405366.

ClinVar aggregate classification (germline): Uncertain significance (1 of 4 stars; one submission).

Conditions:
Muscular dystrophy-dystroglycanopathy (congenital with brain and eye anomalies), type A14. Also called: Congenital muscular dystrophy-dystroglycanopathy with brain and eye anomalies, type A14; WALKER-WARBURG SYNDROME OR MUSCLE-EYE-BRAIN DISEASE, GMPPB-RELATED; Muscular dystrophy-dystroglycanopathy (congenital with brain and eye anomalies), type a, 14; Congenital Muscular Dystrophy-Dystroglycanopathy with Brain and Eye Anomalies Type A 14. Identifiers: Orphanet 588, MedGen C3809216, MONDO:0014140, OMIM 615350.
Muscular dystrophy-dystroglycanopathy (congenital with impaired intellectual development), type B, 14. Also called: Congenital muscular dystrophy-dystroglycanopathy with mental retardation, type B14; MUSCULAR DYSTROPHY, CONGENITAL, GMPPB-RELATED; Muscular dystrophy-dystroglycanopathy (congenital with intellectual disability), type B14. Identifiers: MedGen C3809221, MONDO:0014141, OMIM 615351.
Autosomal recessive limb-girdle muscular dystrophy type 2T. Also called: Limb-girdle muscular dystrophy-dystroglycanopathy, type C14; MUSCULAR DYSTROPHY-DYSTROGLYCANOPATHY, LIMB-GIRDLE, GMPPB-RELATED; MUSCULAR DYSTROPHY, LIMB-GIRDLE, TYPE 2T; Muscular dystrophy-dystroglycanopathy (limb-girdle), type c, 14. Identifiers: Orphanet 363623, MedGen C4518000, MONDO:0014142, OMIM 615352.

Allele frequency attached by ClinVar (database versions not stated): gnomAD exomes 0.00001 and 0.00002; ExAC 0.00002.

Submission:

Labcorp Genetics (formerly Invitae), Labcorp
Classification: Uncertain significance for Autosomal recessive limb-girdle muscular dystrophy type 2T; Muscular dystrophy-dystroglycanopathy (congenital with brain and eye anomalies), type A14; Muscular dystrophy-dystroglycanopathy (congenital with impaired intellectual development), type B, 14. Last evaluated: 2021-09-17. Review status: criteria provided, single submitter. Criteria: Invitae Variant Classification Sherloc (09022015). Collection method: clinical testing. Allele origin: germline.
Comment: This sequence change replaces asparagine with serine at codon 339 of the GMPPB protein (p.Asn339Ser). The asparagine residue is highly conserved and there is a small physicochemical difference between asparagine and serine. In summary, the available evidence is currently insufficient to determine the role of this variant in disease. Therefore, it has been classified as a Variant of Uncertain Significance. Algorithms developed to predict the effect of missense changes on protein structure and function are either unavailable or do not agree on the potential impact of this missense change (SIFT: "Deleterious"; PolyPhen-2: "Probably Damaging"; Align-GVGD: "Class C0"). This missense change has been observed in individual(s) with clinical features of GMPPB-related conditions (Invitae). This variant is present in population databases (rs753014812, ExAC 0.01%).